The following is an entry in ClinVar:

NM_020937.4(FANCM):c.5097_5100del (p.Lys1699fs)

Gene: FANCM (FA complementation group M; plus strand). Cytogenetic location: 14q21.2.
Variant type: Microsatellite.
Coding change: c.5097_5100del on transcript NM_020937.4 (MANE Select); coding-DNA positions 5097 to 5100, 4 bases deleted (ACAA; older notation c.5097_5100delACAA).
Protein change: p.Lys1699fs; shifts the reading frame from lysine 1699.
Molecular consequence: frameshift variant.
Genome position (GRCh38, 1-based): chr14:45,189,119-45,189,122, ACAA deleted; deleting any 4 consecutive bases within chr14:45,189,114-45,189,122 gives the same sequence; the c. name uses the placement nearest the transcript's 3' end. VCF-style (leftmost placement, unchanged base first): chr14-45189113-GAACA-G. GRCh37 (hg19) VCF-style: chr14-45658316-GAACA-G.
Other names: c.5019_5022del, p.Lys1673fs (NM_001308133.2); short protein forms K1673fs, K1699fs.
Identifiers: ClinVar variation 2962924 (VCV002962924.3), dbSNP rs2503244893, ClinGen allele CA2740097073.

ClinVar aggregate classification (germline): Pathogenic (1 of 4 stars; one submission).

Conditions:
Fanconi anemia (FA). Also called: Fanconi's anemia. Identifiers: Orphanet 84, MedGen C0015625, MeSH D005199, MONDO:0019391.

Submission:

Labcorp Genetics (formerly Invitae), Labcorp
Classification: Pathogenic for Fanconi anemia. Last evaluated: 2022-11-11. Review status: criteria provided, single submitter. Criteria: Invitae Variant Classification Sherloc (09022015). Collection method: clinical testing. Allele origin: germline.
Comment: This sequence change creates a premature translational stop signal (p.Lys1699Asnfs*6) in the FANCM gene. It is expected to result in an absent or disrupted protein product. Loss-of-function variants in FANCM are known to be pathogenic (PMID: 29895858, 30075111). This variant is not present in population databases (gnomAD no frequency). This variant has not been reported in the literature in individuals affected with FANCM-related conditions. For these reasons, this variant has been classified as Pathogenic.

Literature cited by the submitters: PubMed 29895858; PubMed 30075111.